The following is an entry in ClinVar:

NM_004393.6(DAG1):c.1783G>A (p.Val595Ile)

Gene: DAG1 (dystroglycan 1; plus strand). Cytogenetic location: 3p21.31.
Variant type: single nucleotide variant.
Coding change: c.1783G>A on transcript NM_004393.6 (MANE Select); coding-DNA position 1783, G replaced by A.
Protein change: p.Val595Ile; replaces valine 595 with isoleucine.
Molecular consequence: missense variant.
Genome position (GRCh38, 1-based): chr3:49,532,294, G>A. VCF-style: chr3-49532294-G-A. GRCh37 (hg19) VCF-style: chr3-49569727-G-A.
Other names: c.1783G>A, p.Val595Ile (NM_001165928.4, NM_001177634.3, NM_001177635.3 and 9 more transcripts); short protein forms V595I.
Identifiers: ClinVar variation 2155101 (VCV002155101.4), dbSNP rs777166212, ClinGen allele CA2399143.

ClinVar aggregate classification (germline): Uncertain significance (1 of 4 stars; one submission).

Conditions:
Muscular dystrophy-dystroglycanopathy (congenital with brain and eye anomalies), type A9. Also called: WALKER-WARBURG SYNDROME OR MUSCLE-EYE BRAIN DISEASE, DAG1-RELATED; Muscular dystrophy-dystroglycanopathy (congenital with brain and eye anomalies), type a, 9. Identifiers: Orphanet 370997, Orphanet 899, MedGen C4225291, MONDO:0014683, OMIM 616538.
Autosomal recessive limb-girdle muscular dystrophy type 2P. Also called: MUSCULAR DYSTROPHY-DYSTROGLYCANOPATHY, LIMB-GIRDLE, DAG1-RELATED; MUSCULAR DYSTROPHY, LIMB-GIRDLE, TYPE 2P; Limb-Girdle Muscular Dystrophy Type 9C. Identifiers: Orphanet 280333, MedGen C4511963, MONDO:0013440, OMIM 613818.

Allele frequency attached by ClinVar (database versions not stated): TOPMed below 0.00001; ExAC 0.00001; gnomAD exomes 0.00001.
gnomAD v4.1: 6 of 1,614,126 alleles (0.00037%); highest among the groups gnomAD compares: South Asian, 0.0022%; no homozygotes.

Submission:

Labcorp Genetics (formerly Invitae), Labcorp
Classification: Uncertain significance for Autosomal recessive limb-girdle muscular dystrophy type 2P; Muscular dystrophy-dystroglycanopathy (congenital with brain and eye anomalies), type A9. Last evaluated: 2022-05-31. Review status: criteria provided, single submitter. Criteria: Invitae Variant Classification Sherloc (09022015). Collection method: clinical testing. Allele origin: germline.
Comment: In summary, the available evidence is currently insufficient to determine the role of this variant in disease. Therefore, it has been classified as a Variant of Uncertain Significance. Algorithms developed to predict the effect of missense changes on protein structure and function are either unavailable or do not agree on the potential impact of this missense change (SIFT: "Deleterious"; PolyPhen-2: "Probably Damaging"; Align-GVGD: "Class C0"). This variant has not been reported in the literature in individuals affected with DAG1-related conditions. This variant is present in population databases (rs777166212, gnomAD 0.005%). This sequence change replaces valine, which is neutral and non-polar, with isoleucine, which is neutral and non-polar, at codon 595 of the DAG1 protein (p.Val595Ile).